The following is an entry in ClinVar:

ClinVar aggregate classification (germline): Uncertain significance. Review status: criteria provided, multiple submitters, no conflicts (2 of 4 stars). 4 submissions from 4 submitters: Uncertain significance (3). 1 of the submissions does not count toward it. Last evaluated 2024-12-10.

Conditions:
Seizures, benign familial infantile, 5 (BFIS5). Also called: CONVULSIONS, BENIGN FAMILIAL INFANTILE, 5. Identifiers: Orphanet 306, MedGen C4310728, MONDO:0014903, OMIM 617080.
SCN8A-related disorder.
Early-infantile DEE. Also called: Ohtahara syndrome; Early infantile epileptic encephalopathy with suppression bursts; Early infantile epileptic encephalopathy. Identifiers: Orphanet 1934, MedGen C0393706, MONDO:0800491.

Allele frequency attached by ClinVar (database versions not stated): gnomAD exomes below 0.00001; gnomAD 0.00001; TOPMed 0.00001.
gnomAD v4.1: 5 of 1,613,928 alleles (0.00031%); highest among the groups gnomAD compares: Non-Finnish European, 0.00042%; no homozygotes.

Submissions (4):

GeneDx
Classification: Uncertain significance. Last evaluated: 2024-12-10. Review status: criteria provided, single submitter. Criteria: GeneDx Variant Classification Process June 2021. Collection method: clinical testing. Allele origin: germline. Affected: yes.
Comment: In silico analysis supports that this missense variant has a deleterious effect on protein structure/function; Has not been previously published as pathogenic or benign to our knowledge; This substitution is predicted to be within the C-terminal cytoplasmic domain.

Labcorp Genetics (formerly Invitae), Labcorp
Classification: Uncertain significance for Early-infantile DEE. Last evaluated: 2024-05-23. Review status: criteria provided, single submitter. Criteria: Invitae Variant Classification Sherloc (09022015). Collection method: clinical testing. Allele origin: germline.
Comment: This sequence change replaces glutamic acid, which is acidic and polar, with aspartic acid, which is acidic and polar, at codon 1861 of the SCN8A protein (p.Glu1861Asp). This variant is present in population databases (no rsID available, gnomAD 0.0009%). This variant has not been reported in the literature in individuals affected with SCN8A-related conditions. ClinVar contains an entry for this variant (Variation ID: 1200168). Advanced modeling of protein sequence and biophysical properties (such as structural, functional, and spatial information, amino acid conservation, physicochemical variation, residue mobility, and thermodynamic stability) performed at Invitae indicates that this missense variant is not expected to disrupt SCN8A protein function with a negative predictive value of 95%. In summary, the available evidence is currently insufficient to determine the role of this variant in disease. Therefore, it has been classified as a Variant of Uncertain Significance.

Institute of Human Genetics, University of Leipzig Medical Center
Classification: Uncertain significance for Seizures, benign familial infantile, 5. Last evaluated: 2023-08-14. Review status: criteria provided, single submitter. Criteria: ACMG Guidelines, 2015. Collection method: clinical testing. Allele origin: maternal. Inheritance: Autosomal dominant inheritance. Affected: yes.
Comment: Criteria applied: PP2

PreventionGenetics, part of Exact Sciences
Classification: Uncertain significance for SCN8A-related condition. Last evaluated: 2023-12-21. Review status: no assertion criteria provided. Collection method: clinical testing. Allele origin: germline. Not counted in ClinVar's aggregate classification.
Comment: The SCN8A c.5583G>C variant is predicted to result in the amino acid substitution p.Glu1861Asp. To our knowledge, this variant has not been reported in the literature. This variant is reported in 0.00089% of alleles in individuals of European (Non-Finnish) descent in gnomAD. At this time, the clinical significance of this variant is uncertain due to the absence of conclusive functional and genetic evidence.

NM_001330260.2(SCN8A):c.5583G>C (p.Glu1861Asp)

Gene: SCN8A (sodium voltage-gated channel alpha subunit 8; plus strand). Cytogenetic location: 12q13.13.
Variant type: single nucleotide variant.
Coding change: c.5583G>C on transcript NM_001330260.2 (MANE Select); coding-DNA position 5583, G replaced by C.
Protein change: p.Glu1861Asp; replaces glutamic acid 1861 with aspartic acid.
Molecular consequence: missense variant.
Genome position (GRCh38, 1-based): chr12:51,807,069, G>C. VCF-style: chr12-51807069-G-C. GRCh37 (hg19) VCF-style: chr12-52200853-G-C.
Other names: c.5460G>C, p.Glu1820Asp (NM_001177984.3, NM_001369788.1); c.5583G>C, p.Glu1861Asp (NM_014191.4); short protein forms E1820D, E1861D.
Identifiers: ClinVar variation 1200168 (VCV001200168.16), dbSNP rs1352614116, ClinGen allele CA384887770.